The following is an entry in ClinVar:

ClinVar aggregate classification (germline): Uncertain significance. Review status: criteria provided, multiple submitters, no conflicts (2 of 4 stars). 4 submissions from 4 submitters: Uncertain significance (3). 1 of the submissions does not count toward it. Last evaluated 2025-06-03.

Conditions:
Multiple epiphyseal dysplasia. Also called: Multiple epiphyseal dysplasia (disease). Identifiers: Orphanet 251, MedGen C0026760, MONDO:0016648, HP:0002654.
Multiple epiphyseal dysplasia type 5 (EDM5). Also called: MATN3-Related Multiple Epiphyseal Dysplasia; Microepiphyseal dysplasia, bilateral hereditary. Identifiers: Orphanet 93311, MedGen C1846843, MONDO:0011765, OMIM 607078.

Allele frequency attached by ClinVar (database versions not stated): gnomAD exomes 0.00002 and 0.00003; gnomAD 0.00003 and 0.00004; ExAC 0.00004; TOPMed 0.00005.
gnomAD v4.1: 30 of 1,610,604 alleles (0.0019%); highest among the groups gnomAD compares: Admixed American, 0.013%; no homozygotes.

Submissions (4):

Labcorp Genetics (formerly Invitae), Labcorp
Classification: Uncertain significance. Last evaluated: 2025-06-03. Review status: criteria provided, single submitter. Criteria: Invitae Variant Classification Sherloc (09022015). Collection method: clinical testing. Allele origin: germline.
Comment: This sequence change replaces lysine, which is basic and polar, with asparagine, which is neutral and polar, at codon 231 of the MATN3 protein (p.Lys231Asn). This variant is present in population databases (rs773642745, gnomAD 0.009%). This missense change has been observed in individual(s) with autosomal dominant epiphyseal dysplasiac (PMID: 18205203). ClinVar contains an entry for this variant (Variation ID: 1675216). Invitae Evidence Modeling of protein sequence and biophysical properties (such as structural, functional, and spatial information, amino acid conservation, physicochemical variation, residue mobility, and thermodynamic stability) indicates that this missense variant is not expected to disrupt MATN3 protein function with a negative predictive value of 80%. Experimental studies have shown that this missense change does not substantially affect MATN3 function (PMID: 18205203). In summary, the available evidence is currently insufficient to determine the role of this variant in disease. Therefore, it has been classified as a Variant of Uncertain Significance.

Genomic Medicine Center of Excellence, King Faisal Specialist Hospital and Research Centre
Classification: Uncertain significance for Multiple epiphyseal dysplasia type 5. Last evaluated: 2024-12-19. Review status: criteria provided, single submitter. Criteria: ACMG Guidelines, 2015. Collection method: clinical testing. Allele origin: germline.

Blueprint Genetics
Classification: Uncertain significance. Last evaluated: 2021-08-18. Review status: criteria provided, single submitter. Criteria: ACMG Guidelines, 2015. Collection method: clinical testing. Allele origin: germline.

GeneReviews
No classification provided. Condition: Multiple epiphyseal dysplasia. Review status: no classification provided. Collection method: literature only. Allele origin: germline. Not counted in ClinVar's aggregate classification.

Literature cited by the submitters: PubMed 18205203 (cited by Labcorp Genetics (formerly Invitae), Labcorp); NCBI Bookshelf NBK1123 (cited by GeneReviews).

NM_002381.5(MATN3):c.693G>C (p.Lys231Asn)

Gene: MATN3 (matrilin 3; minus strand). Cytogenetic location: 2p24.1.
Variant type: single nucleotide variant.
Coding change: c.693G>C on transcript NM_002381.5 (MANE Select); coding-DNA position 693, G replaced by C.
Protein change: p.Lys231Asn; replaces lysine 231 with asparagine.
Molecular consequence: missense variant.
Genome position (GRCh38, 1-based): chr2:20,005,841, C>G on the plus strand (G>C on the coding strand, the complement: MATN3 is on the minus strand). VCF-style: chr2-20005841-C-G. GRCh37 (hg19) VCF-style: chr2-20205602-C-G.
Other names: short protein forms K231N.
Identifiers: ClinVar variation 1675216 (VCV001675216.5), dbSNP rs773642745, ClinGen allele CA1543919.
Genomic context (GRCh38, chr2:20,005,841, plus strand): 5'-AATGACCCCATAGGTCTCCACGTAGAAAACATGCTCCTCTAGGGGCTCACTGGCCATCAT[C>G]TTGAGGGACGCCATGTCTGCCCGGTCCACGCCCACAGCATAGAGCTCAATACCAGATGCT-3'
Protein context (NP_002372.1, residues 221-241): GVDRADMASL[Lys231Asn]MMASEPLEEH